The following is an entry in ClinVar:

ClinVar aggregate classification (germline): Pathogenic/Likely pathogenic. Review status: criteria provided, multiple submitters, no conflicts (2 of 4 stars). 11 submissions from 11 submitters: Pathogenic (7); Likely pathogenic (2). 2 of the submissions do not count toward it. Last evaluated 2026-01-30.

Conditions:
Fanconi anemia complementation group A (FANCA). Also called: FANCA-Related Fanconi Anemia; Fanconi anemia, group A. Identifiers: Orphanet 84, MedGen C3469521, MONDO:0009215, OMIM 227650.
FANCA-related disorders.
Fanconi anemia (FA). Also called: Fanconi's anemia. Identifiers: Orphanet 84, MedGen C0015625, MeSH D005199, MONDO:0019391.

Allele frequency attached by ClinVar (database versions not stated): gnomAD 0.00001 and 0.00002; gnomAD exomes 0.00001 and 0.00002; TOPMed 0.00001; ExAC 0.00005; 1000 Genomes Project 30x 0.00016; 1000 Genomes Project 0.00020.
gnomAD v4.1: 36 of 1,551,320 alleles (0.0023%); highest among the groups gnomAD compares: East Asian, 0.0049%; no homozygotes.

Submissions (11):

Labcorp Genetics (formerly Invitae), Labcorp
Classification: Pathogenic for Fanconi anemia. Last evaluated: 2026-01-30. Review status: criteria provided, single submitter. Criteria: Invitae Variant Classification Sherloc (09022015). Collection method: clinical testing. Allele origin: germline.
Comment: This sequence change replaces proline, which is neutral and non-polar, with leucine, which is neutral and non-polar, at codon 1324 of the FANCA protein (p.Pro1324Leu). This variant is present in population databases (rs182657062, gnomAD 0.01%). This missense change has been observed in individual(s) with Fanconi anemia (PMID: 10521298, 17924555, 23973728, 24584348). In at least one individual the data is consistent with being in trans (on the opposite chromosome) from a pathogenic variant. ClinVar contains an entry for this variant (Variation ID: 430085). Invitae Evidence Modeling of protein sequence and biophysical properties (such as structural, functional, and spatial information, amino acid conservation, physicochemical variation, residue mobility, and thermodynamic stability) indicates that this missense variant is expected to disrupt FANCA protein function with a positive predictive value of 95%. For these reasons, this variant has been classified as Pathogenic.

Natera, Inc.
Classification: Pathogenic for Fanconi anemia. Last evaluated: 2024-12-25. Review status: criteria provided, single submitter. Criteria: Natera Variant Classification Schema (03/2026). Collection method: clinical testing. Allele origin: germline.
Comment: The c.3971C>T variant in FANCA is a missense variant predicted to cause substitution of proline to leucine at amino acid 1324. This variant is rare in the general population with a frequency below the threshold expected for the associated phenotype(s). This variant has been observed in one or more individuals affected with the associated recessive disease, as either homozygous or compound heterozygous with a second variant (PMID: 29098742, 23973728, 10521298, 32054657). Functional studies show that this variant may disrupt protein function (PMID: 12444097). Computational prediction algorithms indicate this variant is likely to affect gene or protein function. Given the available evidence, this variant is classified as Pathogenic.

GeneDx
Classification: Pathogenic. Last evaluated: 2024-08-15. Review status: criteria provided, single submitter. Criteria: GeneDx Variant Classification Process June 2021. Collection method: clinical testing. Allele origin: germline. Affected: yes.
Comment: Published functional studies demonstrate a damaging effect, showing that P1324L resulted in mild impairment of FANCA function (PMID: 12444097); In silico analysis supports that this missense variant has a deleterious effect on protein structure/function; This variant is associated with the following publications: (PMID: 17924555, 25525159, 31589614, 33270637, 23973728, 10521298, 37216690, 32054657, 37865086, 12444097, 24584348)

Fulgent Genetics
Classification: Pathogenic for Fanconi anemia complementation group A. Last evaluated: 2024-03-23. Review status: criteria provided, single submitter. Criteria: ACMG Guidelines, 2015. Collection method: clinical testing. Allele origin: germline.

Quest Diagnostics Nichols Institute San Juan Capistrano
Classification: Likely pathogenic. Last evaluated: 2023-10-20. Review status: criteria provided, single submitter. Criteria: Quest Diagnostics criteria. Collection method: clinical testing. Allele origin: unknown.
Comment: The FANCA c.3971C>T (p.Pro1324Leu) variant has been reported in the published literature in individuals with Fanconi anemia (PMID: 10521298 (1999), 17924555 (2008), 23973728 (2013)). Experimental studies on FANCA protein resulting from this variant showed a mild impairment of protein function (PMID: 12444097 (2002)). The frequency of this variant in the general population, 0.000013 (2/155558 chromosomes (Genome Aggregation Database)), is uninformative in the assessment of its pathogenicity. Based on the available information, this variant is classified as likely pathogenic.

Baylor Genetics
Classification: Pathogenic for Fanconi anemia complementation group A. Last evaluated: 2023-07-04. Review status: criteria provided, single submitter. Criteria: ACMG Guidelines, 2015. Collection method: clinical testing. Allele origin: unknown.

Blueprint Genetics
Classification: Pathogenic for FANCA-related disorders. Last evaluated: 2023-06-23. Review status: criteria provided, single submitter. Criteria: ACMG Guidelines, 2015. Collection method: clinical testing. Allele origin: germline. Affected: yes. Observed: 1 variant allele.

3billion
Classification: Pathogenic for Fanconi anemia complementation group A. Last evaluated: 2022-05-22. Review status: criteria provided, single submitter. Criteria: ACMG Guidelines, 2015. Collection method: clinical testing. Allele origin: germline. Affected: yes. Observed: 1 homozygote.
Comment: The variant is observed at an extremely low frequency in the gnomAD v2.1.1 dataset (total allele frequency: 0.001%). Functional studies provide strong evidence of the variant having a damaging effect on the gene or gene product (PMID: 12444097). In silico tool predictions suggest damaging effect of the variant on gene or gene product (REVEL: 0.71; 3Cnet: 0.29). Same nucleotide change resulting in same amino acid change has been previously reported as pathogenic/likely pathogenic with strong evidence (ClinVar ID: VCV000430085). The variant has been reported to be in trans with a pathogenic variant as either compound heterozygous or homozygous in at least 2 similarly affected unrelated individuals (PMID: 10521298, 17924555, 23973728). Therefore, this variant is classified as pathogenic according to the recommendation of ACMG/AMP guideline.

Revvity Omics, Revvity
Classification: Likely pathogenic for Fanconi anemia complementation group A. Last evaluated: 2019-12-27. Review status: criteria provided, single submitter. Criteria: ACMG Guidelines, 2015. Collection method: clinical testing. Allele origin: germline.

Leiden Open Variation Database
Classification: Pathogenic for Fanconi anemia complementation group A. Last evaluated: 2020-02-28. Review status: no assertion criteria provided. Collection method: curation. Allele origin: germline. Affected: yes. Not counted in ClinVar's aggregate classification.
Comment: Curator: Arleen D. Auerbach. Submitter to LOVD: Arleen D. Auerbach.

Counsyl
Classification: Likely pathogenic for Fanconi anemia complementation group A. Last evaluated: 2017-04-17. Review status: no assertion criteria provided. Collection method: clinical testing. Allele origin: unknown. Not counted in ClinVar's aggregate classification.

Literature cited by the submitters: PubMed 10521298 (cited by 6 submitters); PubMed 17924555 (cited by 4 submitters); PubMed 23973728 (cited by 5 submitters); PubMed 24584348 (cited by Labcorp Genetics (formerly Invitae), Labcorp and Quest Diagnostics Nichols Institute San Juan Capistrano); PubMed 29098742 (cited by Natera, Inc.); PubMed 32054657 (cited by Natera, Inc.); PubMed 12444097 (cited by 5 submitters).

NM_000135.4(FANCA):c.3971C>T (p.Pro1324Leu)

Genes: FANCA (FA complementation group A; minus strand), ZNF276 (zinc finger protein 276; plus strand). Cytogenetic location: 16q24.3.
Variant type: single nucleotide variant.
Coding change: c.3971C>T on transcript NM_000135.4 (MANE Select); coding-DNA position 3971, C replaced by T.
Protein change: p.Pro1324Leu; replaces proline 1324 with leucine.
Molecular consequence: missense variant. On other transcripts: 3 prime UTR variant (2), non-coding transcript variant (4).
Genome position (GRCh38, 1-based): chr16:89,739,517, G>A on the plus strand (C>T on the coding strand, the complement: FANCA is on the minus strand). VCF-style: chr16-89739517-G-A. GRCh37 (hg19) VCF-style: chr16-89805925-G-A.
Other names: c.3971C>T, p.Pro1324Leu (NM_001286167.3); c.*1271G>A (NM_001113525.2, NM_152287.4); c.3971C>T (NM_000135.3); short protein forms P1324L.
Identifiers: ClinVar variation 430085 (VCV000430085.27), dbSNP rs182657062, ClinGen allele CA8250847.